The following is an entry in ClinVar:

ClinVar aggregate classification (germline): Uncertain significance. Review status: criteria provided, multiple submitters, no conflicts (2 of 4 stars). 2 submissions from 2 submitters: Uncertain significance (2). Last evaluated 2022-10-26.

Conditions:
Ehlers-Danlos syndrome, classic type, 1 (EDSCL1). Also called: Ehlers-Danlos Syndrome, Classic Type, COL5A1-Related; EDS I; EHLERS-DANLOS SYNDROME, GRAVIS TYPE; EHLERS-DANLOS SYNDROME, SEVERE CLASSIC TYPE; Ehlers-Danlos syndrome, type 1. Identifiers: MedGen C0268335, MONDO:0019567, OMIM 130000.

Allele frequency attached by ClinVar (database versions not stated): TOPMed 0.00002.
gnomAD v4.1: 1 of 1,603,214 alleles (0.000062%); highest among the groups gnomAD compares: Non-Finnish European, 0.000085%; no homozygotes.

Submissions (2):

Labcorp Genetics (formerly Invitae), Labcorp
Classification: Uncertain significance for Ehlers-Danlos syndrome, classic type, 1. Last evaluated: 2022-10-26. Review status: criteria provided, single submitter. Criteria: Invitae Variant Classification Sherloc (09022015). Collection method: clinical testing. Allele origin: germline.
Comment: This sequence change replaces proline, which is neutral and non-polar, with serine, which is neutral and polar, at codon 1253 of the COL5A1 protein (p.Pro1253Ser). This variant is not present in population databases (gnomAD no frequency). This variant has not been reported in the literature in individuals affected with COL5A1-related conditions. Advanced modeling of protein sequence and biophysical properties (such as structural, functional, and spatial information, amino acid conservation, physicochemical variation, residue mobility, and thermodynamic stability) performed at Invitae indicates that this missense variant is not expected to disrupt COL5A1 protein function. In summary, the available evidence is currently insufficient to determine the role of this variant in disease. Therefore, it has been classified as a Variant of Uncertain Significance.

Blueprint Genetics
Classification: Uncertain significance. Last evaluated: 2019-09-30. Review status: criteria provided, single submitter. Criteria: ACMG Guidelines, 2015. Collection method: clinical testing. Allele origin: germline.

NM_000093.5(COL5A1):c.3757C>T (p.Pro1253Ser)

Gene: COL5A1 (collagen type V alpha 1 chain; plus strand). Cytogenetic location: 9q34.3.
Variant type: single nucleotide variant.
Coding change: c.3757C>T on transcript NM_000093.5 (MANE Select); coding-DNA position 3757, C replaced by T.
Protein change: p.Pro1253Ser; replaces proline 1253 with serine.
Molecular consequence: missense variant.
Genome position (GRCh38, 1-based): chr9:134,812,617, C>T. VCF-style: chr9-134812617-C-T. GRCh37 (hg19) VCF-style: chr9-137704463-C-T.
Other names: c.3757C>T, p.Pro1253Ser (NM_001278074.1); short protein forms P1253S.
Identifiers: ClinVar variation 2150784 (VCV002150784.5), dbSNP rs1441643416, ClinGen allele CA375454822.